The following is an entry in ClinVar:

NM_152419.3(HGSNAT):c.1054_1055insATCAATTTCTAATGGGATTTCCAGAGTTGAAAAAGACAAATATTCAGCTTTAGGAAGCACAGTTGAGTCCTGAGCAGTACAAATAAAAATATAGGCTGGGCACAGTGGCTCACATGTGTAATCCCAGCACTTTCGGAGGCTGAGGTGGGTGGATTGCTGGAGTCCAGCAGTTTGAAAACAGCCTGAGCAACATGGCAAGACCCCATCTCTACAAAAAATACAACAATTATCCGGGCATGGTGGCACAAGCCCGTAGTCCCAGCTACTCAGGAAGCTGAGGTGGATCGCTTGAGCCCGGGAGGTGGAGGTTGCAGTGAGCCAAGATCACACCATTGCACTCCACACTGAATGACAGAGTGAGACTGTCTTAATAAAAAATATGAGTCAGCGTATAAGTTAAAAGGAGTTTTAAAAGATACTAATCCAAAAGAAGGCAGAAAAGGAGAAACATAATAGACTTACCAGCCCAATTTAAAAGTCAGGGATTATAAACAGGAATTGAAGAAGTGAGACCCAGTTA (p.Leu352delinsTyrGlnPheLeuMetGlyPheProGluLeuLysLysThrAsnIleGlnLeuTer)

Gene: HGSNAT (heparan-alpha-glucosaminide N-acetyltransferase; plus strand). Cytogenetic location: 8p11.21.
Variant type: Insertion.
Coding change: c.1054_1055insATCAATTTCTAATGGGATTTCCAGAGTTGAAAAAGACAAATATTCAGCTTTAGGAAGCACAGTTGAGTCCTGAGCAGTACAAATAAAAATATAGGCTGGGCACAGTGGCTCACATGTGTAATCCCAGCACTTTCGGAGGCTGAGGTGGGTGGATTGCTGGAGTCCAGCAGTTTGAAAACAGCCTGAGCAACATGGCAAGACCCCATCTCTACAAAAAATACAACAATTATCCGGGCATGGTGGCACAAGCCCGTAGTCCCAGCTACTCAGGAAGCTGAGGTGGATCGCTTGAGCCCGGGAGGTGGAGGTTGCAGTGAGCCAAGATCACACCATTGCACTCCACACTGAATGACAGAGTGAGACTGTCTTAATAAAAAATATGAGTCAGCGTATAAGTTAAAAGGAGTTTTAAAAGATACTAATCCAAAAGAAGGCAGAAAAGGAGAAACATAATAGACTTACCAGCCCAATTTAAAAGTCAGGGATTATAAACAGGAATTGAAGAAGTGAGACCCAGTTA on transcript NM_152419.3 (MANE Select); coding-DNA positions 1054 to 1055, ATCAATTTCTAATGGGATTTCCAGAGTTGAAAAAGACAAATATTCAGCTTTAGGAAGCACAGTTGAGTCCTGAGCAGTACAAATAAAAATATAGGCTGGGCACAGTGGCTCACATGTGTAATCCCAGCACTTTCGGAGGCTGAGGTGGGTGGATTGCTGGAGTCCAGCAGTTTGAAAACAGCCTGAGCAACATGGCAAGACCCCATCTCTACAAAAAATACAACAATTATCCGGGCATGGTGGCACAAGCCCGTAGTCCCAGCTACTCAGGAAGCTGAGGTGGATCGCTTGAGCCCGGGAGGTGGAGGTTGCAGTGAGCCAAGATCACACCATTGCACTCCACACTGAATGACAGAGTGAGACTGTCTTAATAAAAAATATGAGTCAGCGTATAAGTTAAAAGGAGTTTTAAAAGATACTAATCCAAAAGAAGGCAGAAAAGGAGAAACATAATAGACTTACCAGCCCAATTTAAAAGTCAGGGATTATAAACAGGAATTGAAGAAGTGAGACCCAGTTA inserted.
Protein change: p.Leu352delinsTyrGlnPheLeuMetGlyPheProGluLeuLysLysThrAsnIleGlnLeuTer.
Molecular consequence: nonsense.
Genome position: GRCh38: chr8:43,182,186-43,182,187. GRCh37 (hg19): chr8:43,037,329-43,037,330.
Other names: c.190_191insATCAATTTCTAATGGGATTTCCAGAGTTGAAAAAGACAAATATTCAGCTTTAGGAAGCACAGTTGAGTCCTGAGCAGTACAAATAAAAATATAGGCTGGGCACAGTGGCTCACATGTGTAATCCCAGCACTTTCGGAGGCTGAGGTGGGTGGATTGCTGGAGTCCAGCAGTTTGAAAACAGCCTGAGCAACATGGCAAGACCCCATCTCTACAAAAAATACAACAATTATCCGGGCATGGTGGCACAAGCCCGTAGTCCCAGCTACTCAGGAAGCTGAGGTGGATCGCTTGAGCCCGGGAGGTGGAGGTTGCAGTGAGCCAAGATCACACCATTGCACTCCACACTGAATGACAGAGTGAGACTGTCTTAATAAAAAATATGAGTCAGCGTATAAGTTAAAAGGAGTTTTAAAAGATACTAATCCAAAAGAAGGCAGAAAAGGAGAAACATAATAGACTTACCAGCCCAATTTAAAAGTCAGGGATTATAAACAGGAATTGAAGAAGTGAGACCCAGTTA, p.Leu64delinsTyrGlnPheLeuMetGlyPheProGluLeuLysLysThrAsnIleGlnLeuTer (NM_001363229.2); c.1054_1055insATCAATTTCTAATGGGATTTCCAGAGTTGAAAAAGACAAATATTCAGCTTTAGGAAGCACAGTTGAGTCCTGAGCAGTACAAATAAAAATATAGGCTGGGCACAGTGGCTCACATGTGTAATCCCAGCACTTTCGGAGGCTGAGGTGGGTGGATTGCTGGAGTCCAGCAGTTTGAAAACAGCCTGAGCAACATGGCAAGACCCCATCTCTACAAAAAATACAACAATTATCCGGGCATGGTGGCACAAGCCCGTAGTCCCAGCTACTCAGGAAGCTGAGGTGGATCGCTTGAGCCCGGGAGGTGGAGGTTGCAGTGAGCCAAGATCACACCATTGCACTCCACACTGAATGACAGAGTGAGACTGTCTTAATAAAAAATATGAGTCAGCGTATAAGTTAAAAGGAGTTTTAAAAGATACTAATCCAAAAGAAGGCAGAAAAGGAGAAACATAATAGACTTACCAGCCCAATTTAAAAGTCAGGGATTATAAACAGGAATTGAAGAAGTGAGACCCAGTTA, p.Leu352delinsTyrGlnPheLeuMetGlyPheProGluLeuLysLysThrAsnIleGlnLeuTer (NM_001363227.2); c.862_863insATCAATTTCTAATGGGATTTCCAGAGTTGAAAAAGACAAATATTCAGCTTTAGGAAGCACAGTTGAGTCCTGAGCAGTACAAATAAAAATATAGGCTGGGCACAGTGGCTCACATGTGTAATCCCAGCACTTTCGGAGGCTGAGGTGGGTGGATTGCTGGAGTCCAGCAGTTTGAAAACAGCCTGAGCAACATGGCAAGACCCCATCTCTACAAAAAATACAACAATTATCCGGGCATGGTGGCACAAGCCCGTAGTCCCAGCTACTCAGGAAGCTGAGGTGGATCGCTTGAGCCCGGGAGGTGGAGGTTGCAGTGAGCCAAGATCACACCATTGCACTCCACACTGAATGACAGAGTGAGACTGTCTTAATAAAAAATATGAGTCAGCGTATAAGTTAAAAGGAGTTTTAAAAGATACTAATCCAAAAGAAGGCAGAAAAGGAGAAACATAATAGACTTACCAGCCCAATTTAAAAGTCAGGGATTATAAACAGGAATTGAAGAAGTGAGACCCAGTTA, p.Leu288delinsTyrGlnPheLeuMetGlyPheProGluLeuLysLysThrAsnIleGlnLeuTer (NM_001363228.2).
Identifiers: ClinVar variation 3752459 (VCV003752459.2).

ClinVar aggregate classification (germline): Pathogenic (1 of 4 stars; one submission).

Conditions:
Mucopolysaccharidosis, MPS-III-C (MPS3C). Also called: SANFILIPPO SYNDROME C; MPS III C; Mucopolysaccharidosis type IIIC (Sanfilippo C); mucopolysaccharidosis type 3C; MUCOPOLYSACCHARIDOSIS, TYPE IIIC; MPS IIIC (Sanfilippo Syndrome Type C). Identifiers: Orphanet 581, Orphanet 79271, MedGen C0086649, MONDO:0009657, OMIM 252930.
Retinitis pigmentosa 73 (RP73). Identifiers: Orphanet 791, MedGen C4225287, MONDO:0014687, OMIM 616544.

Submission:

Labcorp Genetics (formerly Invitae), Labcorp
Classification: Pathogenic for Retinitis pigmentosa 73; Mucopolysaccharidosis, MPS-III-C. Last evaluated: 2025-03-17. Review status: criteria provided, single submitter. Criteria: Invitae Variant Classification Sherloc (09022015). Collection method: clinical testing. Allele origin: germline.
Comment: This sequence change creates a premature translational stop signal (p.Leu352Tyrfs*18) in the HGSNAT gene. It is expected to result in an absent or disrupted protein product. Loss-of-function variants in HGSNAT are known to be pathogenic (PMID: 17033958, 19479962, 25859010). This variant is not present in population databases (gnomAD no frequency). This variant has not been reported in the literature in individuals affected with HGSNAT-related conditions. For these reasons, this variant has been classified as Pathogenic.

Literature cited by the submitters: PubMed 17033958; PubMed 19479962; PubMed 25859010.